The following is an entry in ClinVar:

NM_000081.4(LYST):c.5461-3dup

Gene: LYST (lysosomal trafficking regulator; minus strand). Cytogenetic location: 1q42.3.
Variant type: Duplication.
Coding change: c.5461-3dup on transcript NM_000081.4 (MANE Select); 3 bases into the intron before coding-DNA position 5461, one base duplicated (T; older notation c.5461-3dupT).
Molecular consequence: intron variant.
Genome position (GRCh38, 1-based): chr1:235,775,089, A duplicated on the plus strand (T on the coding strand, the reverse complement: LYST is on the minus strand); the first of 11 consecutive A bases (chr1:235,775,089-235,775,099); duplicating any one gives the same sequence. VCF-style (leftmost placement, unchanged base first): chr1-235775088-T-TA. GRCh37 (hg19) VCF-style: chr1-235938388-T-TA.
Other names: p.?; c.5461-3dupT (NM_000081.2); c.5461-3dup (NM_001301365.1).
Identifiers: ClinVar variation 211409 (VCV000211409.25), dbSNP rs557545474, ClinGen allele CA207782.

ClinVar aggregate classification (germline): Conflicting classifications of pathogenicity. Review status: criteria provided, conflicting classifications (1 of 4 stars). 8 submissions from 8 submitters: Uncertain significance (2); Benign (2); Likely benign (2). 2 of the submissions do not count toward it. Last evaluated 2026-02-04.

Conditions:
Autoinflammatory syndrome. Identifiers: Orphanet 93665, MedGen C3890737, MONDO:0019751.
Chédiak-Higashi syndrome (CHS). Also called: Chediak-Higashi Syndrome. Identifiers: Orphanet 167, MedGen C0007965, MONDO:0008963, OMIM 214500.

Submissions (8):

Labcorp Genetics (formerly Invitae), Labcorp
Classification: Benign for Chédiak-Higashi syndrome. Last evaluated: 2026-02-04. Review status: criteria provided, single submitter. Criteria: Invitae Variant Classification Sherloc (09022015). Collection method: clinical testing. Allele origin: germline.

Blueprint Genetics
Classification: Likely benign. Last evaluated: 2024-11-26. Review status: criteria provided, single submitter. Criteria: ACMG Guidelines, 2015. Collection method: clinical testing. Allele origin: germline.

Mayo Clinic Laboratories, Mayo Clinic
Classification: Benign. Last evaluated: 2024-04-21. Review status: criteria provided, single submitter. Criteria: ACMG Guidelines, 2015. Collection method: clinical testing. Allele origin: germline. Observed: 87 variant alleles.

Genome Diagnostics Laboratory, The Hospital for Sick Children
Classification: Uncertain significance for Autoinflammatory syndrome. Last evaluated: 2017-05-16. Review status: criteria provided, single submitter. Criteria: ACMG Guidelines, 2015. Collection method: clinical testing. Allele origin: germline. Affected: yes.

GeneDx
Classification: Likely benign. Last evaluated: 2016-01-11. Review status: criteria provided, single submitter. Criteria: GeneDx Variant Classification (06012015). Collection method: clinical testing. Allele origin: germline. Affected: yes.
Comment: This variant is considered likely benign or benign based on one or more of the following criteria: it is a conservative change, it occurs at a poorly conserved position in the protein, it is predicted to be benign by multiple in silico algorithms, and/or has population frequency not consistent with disease.

Genetic Services Laboratory, University of Chicago
Classification: Uncertain significance. Last evaluated: 2015-06-16. Review status: criteria provided, single submitter. Criteria: ACMG Guidelines, 2015. Collection method: clinical testing. Allele origin: germline.

Clinical Genetics, Academic Medical Center
Classification: Benign. Review status: no assertion criteria provided. Collection method: clinical testing. Allele origin: germline. Affected: yes. Study: VKGL Data-share Consensus. Not counted in ClinVar's aggregate classification.

Laboratory of Diagnostic Genome Analysis, Leiden University Medical Center (LUMC)
Classification: Likely benign. Review status: no assertion criteria provided. Collection method: clinical testing. Allele origin: germline. Affected: yes. Study: VKGL Data-share Consensus. Not counted in ClinVar's aggregate classification.